The following is an entry in ClinVar:

NM_000081.4(LYST):c.5636C>A (p.Thr1879Asn)

Gene: LYST (lysosomal trafficking regulator; minus strand). Cytogenetic location: 1q42.3.
Variant type: single nucleotide variant.
Coding change: c.5636C>A on transcript NM_000081.4 (MANE Select); coding-DNA position 5636, C replaced by A.
Protein change: p.Thr1879Asn; replaces threonine 1879 with asparagine.
Molecular consequence: missense variant.
Genome position (GRCh38, 1-based): chr1:235,773,990, G>T on the plus strand (C>A on the coding strand, the complement: LYST is on the minus strand). VCF-style: chr1-235773990-G-T. GRCh37 (hg19) VCF-style: chr1-235937290-G-T.
Other names: c.5636C>A (NM_000081.2); c.5636C>A, p.Thr1879Asn (NM_001301365.1); short protein forms T1879N.
Identifiers: ClinVar variation 933512 (VCV000933512.5), dbSNP rs142093128, ClinGen allele CA1466563.

ClinVar aggregate classification (germline): Uncertain significance. Review status: criteria provided, multiple submitters, no conflicts (2 of 4 stars). 2 submissions from 2 submitters: Uncertain significance (2). Last evaluated 2026-01-24.

Conditions:
Chédiak-Higashi syndrome (CHS). Also called: Chediak-Higashi Syndrome. Identifiers: Orphanet 167, MedGen C0007965, MONDO:0008963, OMIM 214500.

Allele frequency attached by ClinVar (database versions not stated): ExAC 0.00005; gnomAD 0.00006; ESP Exome Variant Server 0.00008.
gnomAD v4.1: 183 of 1,599,980 alleles (0.011%); highest among the groups gnomAD compares: Non-Finnish European, 0.015%; no homozygotes.

Submissions (2):

Labcorp Genetics (formerly Invitae), Labcorp
Classification: Uncertain significance for Chédiak-Higashi syndrome. Last evaluated: 2026-01-24. Review status: criteria provided, single submitter. Criteria: Invitae Variant Classification Sherloc (09022015). Collection method: clinical testing. Allele origin: germline.
Comment: This sequence change replaces threonine, which is neutral and polar, with asparagine, which is neutral and polar, at codon 1879 of the LYST protein (p.Thr1879Asn). This variant is present in population databases (rs142093128, gnomAD 0.01%). This variant has not been reported in the literature in individuals affected with LYST-related conditions. ClinVar contains an entry for this variant (Variation ID: 933512). An algorithm developed to predict the effect of missense changes on protein structure and function (PolyPhen-2) suggests that this variant is likely to be tolerated. In summary, the available evidence is currently insufficient to determine the role of this variant in disease. Therefore, it has been classified as a Variant of Uncertain Significance.

GeneDx
Classification: Uncertain significance. Last evaluated: 2025-08-14. Review status: criteria provided, single submitter. Criteria: GeneDx Variant Classification Process June 2021. Collection method: clinical testing. Allele origin: germline. Affected: yes.
Comment: Not observed at significant frequency in large population cohorts (gnomAD); In silico analysis supports that this missense variant has a deleterious effect on protein structure/function; Has not been previously published as pathogenic or benign to our knowledge